The following is an entry in ClinVar:

NM_004628.5(XPC):c.1651del (p.Val551fs)

Gene: XPC (XPC complex subunit, DNA damage recognition and repair factor; minus strand). Cytogenetic location: 3p25.1.
Variant type: Deletion.
Coding change: c.1651del on transcript NM_004628.5 (MANE Select); coding-DNA position 1651, one base deleted (G; older notation c.1651delG).
Protein change: p.Val551fs; shifts the reading frame from valine 551.
Molecular consequence: frameshift variant. On other transcripts: non-coding transcript variant (2), intron variant (1).
Genome position (GRCh38, 1-based): chr3:14,158,232, C deleted on the plus strand (G on the coding strand, the reverse complement: XPC is on the minus strand). VCF-style (leftmost placement, unchanged base first): chr3-14158231-AC-A. GRCh37 (hg19) VCF-style: chr3-14199731-AC-A.
Other names: c.1072del, p.Val358fs (NM_001354726.2); c.1651del, p.Val551fs (NM_001354727.2); c.1633del, p.Val545fs (NM_001354729.2); c.1626+25del (NM_001354730.2); short protein forms V358fs, V545fs, V551fs.
Identifiers: ClinVar variation 5003684 (VCV005003684.1).

ClinVar aggregate classification (germline): Pathogenic (1 of 4 stars; one submission).

Conditions:
Xeroderma pigmentosum, group C (XPC). Also called: Xeroderma pigmentosum, complementation group C; XERODERMA PIGMENTOSUM III; XP, GROUP C; XPC-Related Xeroderma Pigmentosum. Identifiers: Orphanet 910, MedGen C2752147, MONDO:0010211, OMIM 278720.

Submission:

Myriad Genetics, Inc.
Classification: Pathogenic for Xeroderma pigmentosum, group C. Last evaluated: 2025-08-15. Review status: criteria provided, single submitter. Criteria: Myriad Autosomal Dominant, Autosomal Recessive and X-Linked Classification Criteria (2023). Collection method: clinical testing. Allele origin: unknown.
Comment: NM_004628.4(XPC):c.1651delG(V551Wfs*6) is a frameshift variant classified as pathogenic in the context of xeroderma pigmentosum group C. V551Wfs*6 has not been observed in cases with relevant disease. Relevant functional assessments of this variant are not available in the literature. V551Wfs*6 has not been observed in referenced population frequency databases. In summary, NM_004628.4(XPC):c.1651delG(V551Wfs*6) is a frameshift variant in a gene where loss of function is a known mechanism of disease and is predicted to disrupt protein function. Please note: this variant was assessed in the context of healthy population screening.